The following is an entry in ClinVar:

ClinVar aggregate classification (germline): Pathogenic. Review status: criteria provided, multiple submitters, no conflicts (2 of 4 stars). 2 submissions from 2 submitters: Pathogenic (2). Last evaluated 2023-06-23.

Conditions:
Familial cancer of breast. Also called: hereditary breast carcinoma; BREAST CANCER, FAMILIAL; Hereditary breast cancer. Identifiers: Orphanet 227535, MedGen C0346153, MONDO:0016419, OMIM 114480. Disease mechanism: loss of function.

Submissions (2):

Myriad Genetics, Inc.
Classification: Pathogenic for Familial cancer of breast. Last evaluated: 2023-06-23. Review status: criteria provided, single submitter. Criteria: Myriad Autosomal Dominant, Autosomal Recessive and X-Linked Classification Criteria (2023). Collection method: clinical testing. Allele origin: unknown.
Comment: This variant is considered pathogenic. This variant creates a frameshift predicted to result in premature protein truncation.

Labcorp Genetics (formerly Invitae), Labcorp
Classification: Pathogenic for Familial cancer of breast. Last evaluated: 2020-06-30. Review status: criteria provided, single submitter. Criteria: Invitae Variant Classification Sherloc (09022015). Collection method: clinical testing. Allele origin: germline.
Comment: This sequence change creates a premature translational stop signal (p.Arg117Glyfs*14) in the CHEK2 gene. It is expected to result in an absent or disrupted protein product. This variant is not present in population databases (ExAC no frequency). For these reasons, this variant has been classified as Pathogenic. Loss-of-function variants in CHEK2 are known to be pathogenic (PMID: 21876083, 24713400). This variant has not been reported in the literature in individuals with CHEK2-related conditions.

Literature cited by the submitters: PubMed 21876083 (cited by Labcorp Genetics (formerly Invitae), Labcorp); PubMed 24713400 (cited by Labcorp Genetics (formerly Invitae), Labcorp).

NM_007194.4(CHEK2):c.349del (p.Arg117fs)

Gene: CHEK2 (checkpoint kinase 2; minus strand). Cytogenetic location: 22q12.1.
Variant type: Deletion.
Coding change: c.349del on transcript NM_007194.4 (MANE Select); coding-DNA position 349, one base deleted (A; older notation c.349delA).
Protein change: p.Arg117fs; shifts the reading frame from arginine 117.
Molecular consequence: frameshift variant.
Genome position (GRCh38, 1-based): chr22:28,725,338, T deleted on the plus strand (A on the coding strand, the reverse complement: CHEK2 is on the minus strand). VCF-style (leftmost placement, unchanged base first): chr22-28725337-CT-C. GRCh37 (hg19) VCF-style: chr22-29121325-CT-C.
Other names: c.478delA, p.Arg160Glyfs (NM_001005735.3); c.-429delA (NM_001257387.3); c.349delA, p.Arg117Glyfs (NM_001349956.3, NM_145862.3); short protein forms R117fs, R160fs.
Identifiers: ClinVar variation 1068559 (VCV001068559.9), dbSNP rs2146071079, ClinGen allele CA2499226102.